The following is an entry in ClinVar:

NM_000329.3(RPE65):c.1194C>T (p.Asp398=)

Gene: RPE65 (retinoid isomerohydrolase RPE65; minus strand). Cytogenetic location: 1p31.3.
Variant type: single nucleotide variant.
Coding change: c.1194C>T on transcript NM_000329.3 (MANE Select); coding-DNA position 1194, C replaced by T.
Protein change: p.Asp398=; no amino-acid change (aspartic acid 398 retained).
Molecular consequence: synonymous variant.
Genome position (GRCh38, 1-based): chr1:68,431,520, G>A on the plus strand (C>T on the coding strand, the complement: RPE65 is on the minus strand). VCF-style: chr1-68431520-G-A. GRCh37 (hg19) VCF-style: chr1-68897203-G-A.
Other names: NM_000329.3(RPE65):c.1194C>T; p.Asp398=.
Identifiers: ClinVar variation 298020 (VCV000298020.16), dbSNP rs139640666, ClinGen allele CA902256.
Genomic context (GRCh38, chr1:68,431,520, plus strand): 5'-GATCATCTCACCTTGACGAGGCCCTGAAAAGAGAACTTCAGGCTCCAGCCAGATAGTCTC[G>A]TCACTGCACAGAATTGCAGTGGCAGTTGTATTGGGGAGCGTGACTAAATTCTTGCCTGTG-3'
Protein context (NP_000320.1, residues 388-408): NTTATAILCS[Asp398=]ETIWLEPEVL

ClinVar aggregate classification (germline): Likely benign. Review status: reviewed by expert panel (3 of 4 stars). 5 submissions from 4 submitters: Likely benign (1). 4 of the submissions do not count toward it. Last evaluated 2024-07-23.

Conditions:
Retinitis pigmentosa (RP). Identifiers: Orphanet 791, MedGen C0035334, MeSH D012174, MONDO:0019200, OMIM 268000. Inheritance: Autosomal dominant, autosomal recessive and X linked inheritance.
RPE65-related recessive retinopathy. Also called: Recessive RPE65 retinopathy. Identifiers: MedGen CN305526, MONDO:0100368.
Leber congenital amaurosis 2 (LCA2). Also called: AMAUROSIS CONGENITA OF LEBER II; Autosomal Recessive RPE65-Related Retinal Degeneration. Identifiers: Orphanet 65, MedGen C1859844, MONDO:0008765, OMIM 204100. Disease mechanism: loss of function.
Retinitis pigmentosa 20 (RP20). Identifiers: Orphanet 791, MedGen C3151086, MONDO:0013425, OMIM 613794.

Allele frequency attached by ClinVar (database versions not stated): TOPMed 0.00008; gnomAD exomes 0.00009 and 0.00023; gnomAD 0.00011 and 0.00012; ExAC 0.00019; 1000 Genomes Project 30x 0.00031; 1000 Genomes Project 0.00040.
gnomAD v4.1: 154 of 1,613,928 alleles (0.0095%); highest among the groups gnomAD compares: South Asian, 0.041%; no homozygotes.

Submissions (5):

ClinGen Leber Congenital Amaurosis/early Onset Retinal Dystrophy Variant Curation Expert Panel, ClinGen
Classification: Likely benign for RPE65-related recessive retinopathy. Last evaluated: 2024-07-23. Review status: reviewed by expert panel. Criteria: ClinGen LCAeoRD ACMG Specifications RPE65 V1.0.0. Collection method: curation. Allele origin: germline. Inheritance: Autosomal recessive inheritance.
Comment: NM_000329.3(RPE65):c.978G>T (p.Val326=) is a silent variant located near the center of exon 11. This variant is present in gnomAD v.2.1.1 at a GrpMax allele frequency of 0.0003016, with 15 alleles / 30608 total alleles in the South Asian population, which is lower than the ClinGen LCA / eoRD VCEP BS1 threshold of >0.0008 and fails to meet this criterion. The splicing impact predictor SpliceAI gives a delta score of 0.01 for splice donor loss and splice donor gain, which is below the ClinGen LCA / eoRD VCEP recommended threshold of <0.1 and does not predict an impact on splicing (BP4, BP7). In summary, this variant meets the criteria to be classified as likely benign for RPE65-related recessive retinopathy based on the ACMG/AMP criteria applied, as specified by the ClinGen LCA / eoRD VCEP: BP4 and BP7. (VCEP specifications version 1.0.0; date of approval 09/21/2023).

Labcorp Genetics (formerly Invitae), Labcorp
Classification: Likely benign for Leber congenital amaurosis 2; Retinitis pigmentosa 20. Last evaluated: 2025-12-26. Review status: criteria provided, single submitter. Criteria: Invitae Variant Classification Sherloc (09022015). Collection method: clinical testing. Allele origin: germline. Not counted in ClinVar's aggregate classification.

Blueprint Genetics
Classification: Likely benign. Last evaluated: 2024-11-11. Review status: criteria provided, single submitter. Criteria: ACMG Guidelines, 2015. Collection method: clinical testing. Allele origin: germline. Not counted in ClinVar's aggregate classification.

Illumina Laboratory Services, Illumina
Classification: Uncertain significance for Retinitis pigmentosa. Last evaluated: 2018-01-13. Review status: criteria provided, single submitter. Criteria: ICSL Variant Classification Criteria 13 December 2019. Collection method: clinical testing. Allele origin: germline. Not counted in ClinVar's aggregate classification.

Illumina Laboratory Services, Illumina
Classification: Uncertain significance for Leber congenital amaurosis 2. Last evaluated: 2018-01-13. Review status: criteria provided, single submitter. Criteria: ICSL Variant Classification Criteria 13 December 2019. Collection method: clinical testing. Allele origin: germline. Not counted in ClinVar's aggregate classification.